The following is an entry in ClinVar:

NM_005477.3(HCN4):c.3551C>G (p.Pro1184Arg)

Gene: HCN4 (hyperpolarization activated cyclic nucleotide gated potassium channel 4; minus strand). Cytogenetic location: 15q24.1.
Variant type: single nucleotide variant.
Coding change: c.3551C>G on transcript NM_005477.3 (MANE Select); coding-DNA position 3551, C replaced by G.
Protein change: p.Pro1184Arg; replaces proline 1184 with arginine.
Molecular consequence: missense variant.
Genome position (GRCh38, 1-based): chr15:73,322,542, G>C on the plus strand (C>G on the coding strand, the complement: HCN4 is on the minus strand). VCF-style: chr15-73322542-G-C. GRCh37 (hg19) VCF-style: chr15-73614883-G-C.
Other names: short protein forms P1184R.
Identifiers: ClinVar variation 2861828 (VCV002861828.3), dbSNP rs2042866098, ClinGen allele CA393084887.

ClinVar aggregate classification (germline): Uncertain significance (1 of 4 stars; one submission).

Conditions:
Brugada syndrome 8 (BRGDA8). Identifiers: Orphanet 130, MedGen C2751083, MONDO:0013148, OMIM 613123.

Allele frequency attached by ClinVar (database versions not stated): TOPMed 0.00001.
gnomAD v4.1: 2 of 1,605,986 alleles (0.00012%); highest among the groups gnomAD compares: Non-Finnish European, 0.00017%; no homozygotes.

Submission:

Labcorp Genetics (formerly Invitae), Labcorp
Classification: Uncertain significance for Brugada syndrome 8. Last evaluated: 2024-09-11. Review status: criteria provided, single submitter. Criteria: Invitae Variant Classification Sherloc (09022015). Collection method: clinical testing. Allele origin: germline.
Comment: This sequence change replaces proline, which is neutral and non-polar, with arginine, which is basic and polar, at codon 1184 of the HCN4 protein (p.Pro1184Arg). This variant is not present in population databases (gnomAD no frequency). This variant has not been reported in the literature in individuals affected with HCN4-related conditions. Invitae Evidence Modeling of protein sequence and biophysical properties (such as structural, functional, and spatial information, amino acid conservation, physicochemical variation, residue mobility, and thermodynamic stability) indicates that this missense variant is not expected to disrupt HCN4 protein function with a negative predictive value of 95%. In summary, the available evidence is currently insufficient to determine the role of this variant in disease. Therefore, it has been classified as a Variant of Uncertain Significance.